The following is an entry in ClinVar:

NM_021969.3(NR0B2):c.338C>T (p.Pro113Leu)

Genes: NUDC (nuclear distribution C, dynein complex regulator; plus strand), NR0B2 (nuclear receptor subfamily 0 group B member 2; minus strand). Cytogenetic location: 1p36.11.
Variant type: single nucleotide variant.
Coding change: c.338C>T on transcript NM_021969.3 (MANE Select); coding-DNA position 338, C replaced by T.
Protein change: p.Pro113Leu; replaces proline 113 with leucine.
Molecular consequence: missense variant.
Genome position (GRCh38, 1-based): chr1:26,913,603, G>A on the plus strand (C>T on the coding strand, the complement: NR0B2 is on the minus strand). VCF-style: chr1-26913603-G-A. GRCh37 (hg19) VCF-style: chr1-27240094-G-A.
Other names: short protein forms P113L.
Identifiers: ClinVar variation 2634987 (VCV002634987.3), dbSNP rs772208363, ClinGen allele CA709671.
Genomic context (GRCh38, chr1:26,913,603, plus strand): 5'-CCACTGCCTCCACTGCTGCTGGGCTCCTCCAGCAGAATCTTCTTGAGTATGCTGGGCACC[G>A]GGGCCTCAGCCACCTCAAAGGTCACAGCATCTTGGGCCAACCCAAGCAGGAAGAGGGGGC-3'
Protein context (NP_068804.1, residues 103-123): DAVTFEVAEA[Pro113Leu]VPSILKKILL

ClinVar aggregate classification (germline): Uncertain significance (1 of 4 stars; one submission).

Conditions:
NR0B2-related disorder. Also called: NR0B2-related condition.

Allele frequency attached by ClinVar (database versions not stated): ExAC 0.00003; gnomAD 0.00007.
gnomAD v4.1: 50 of 1,613,858 alleles (0.0031%); highest among the groups gnomAD compares: African/African-American, 0.013%; no homozygotes.

Submission:

PreventionGenetics, part of Exact Sciences
Classification: Uncertain significance for NR0B2-related condition. Last evaluated: 2026-01-28. Review status: criteria provided, single submitter. Criteria: ACMG Guidelines, 2015. Collection method: clinical testing. Allele origin: germline.
Comment: The NR0B2 c.338C>T variant is predicted to result in the amino acid substitution p.Pro113Leu. To our knowledge, this variant has not been reported in the literature. This variant is reported in 0.0082% of alleles in individuals of African descent in gnomAD. At this time, the clinical significance of this variant is uncertain due to the absence of conclusive functional and genetic evidence.